The following is an entry in ClinVar:

ClinVar aggregate classification (germline): Uncertain significance. Review status: criteria provided, multiple submitters, no conflicts (2 of 4 stars). 2 submissions from 2 submitters: Uncertain significance (2). Last evaluated 2025-12-09.

Conditions:
Inborn genetic diseases. Identifiers: MedGen C0950123, MeSH D030342.

Allele frequency attached by ClinVar (database versions not stated): ExAC 0.00001; gnomAD 0.00001; TOPMed 0.00001; gnomAD exomes 0.00002.
gnomAD v4.1: 33 of 1,614,044 alleles (0.002%); highest among the groups gnomAD compares: Non-Finnish European, 0.0028%; no homozygotes.

Submissions (2):

Ambry Genetics
Classification: Uncertain significance for Inborn genetic diseases. Last evaluated: 2025-12-09. Review status: criteria provided, single submitter. Criteria: Ambry Variant Classification Scheme 2023. Collection method: clinical testing. Allele origin: germline.

Labcorp Genetics (formerly Invitae), Labcorp
Classification: Uncertain significance. Last evaluated: 2024-04-30. Review status: criteria provided, single submitter. Criteria: Invitae Variant Classification Sherloc (09022015). Collection method: clinical testing. Allele origin: germline.
Comment: This sequence change replaces leucine, which is neutral and non-polar, with tryptophan, which is neutral and slightly polar, at codon 989 of the TAF2 protein (p.Leu989Trp). This variant is present in population databases (rs751037632, gnomAD 0.006%). This variant has not been reported in the literature in individuals affected with TAF2-related conditions. ClinVar contains an entry for this variant (Variation ID: 1911874). Advanced modeling of protein sequence and biophysical properties (such as structural, functional, and spatial information, amino acid conservation, physicochemical variation, residue mobility, and thermodynamic stability) performed at Invitae indicates that this missense variant is not expected to disrupt TAF2 protein function with a negative predictive value of 80%. In summary, the available evidence is currently insufficient to determine the role of this variant in disease. Therefore, it has been classified as a Variant of Uncertain Significance.

NM_003184.4(TAF2):c.2966T>G (p.Leu989Trp)

Gene: TAF2 (TATA-box binding protein associated factor 2; minus strand). Cytogenetic location: 8q24.12.
Variant type: single nucleotide variant.
Coding change: c.2966T>G on transcript NM_003184.4 (MANE Select); coding-DNA position 2966, T replaced by G.
Protein change: p.Leu989Trp; replaces leucine 989 with tryptophan.
Molecular consequence: missense variant.
Genome position (GRCh38, 1-based): chr8:119,746,847, A>C on the plus strand (T>G on the coding strand, the complement: TAF2 is on the minus strand). VCF-style: chr8-119746847-A-C. GRCh37 (hg19) VCF-style: chr8-120759087-A-C.
Other names: short protein forms L989W.
Identifiers: ClinVar variation 1911874 (VCV001911874.7), dbSNP rs751037632, ClinGen allele CA4856918.